The following is an entry in ClinVar:

ClinVar aggregate classification (germline): Uncertain significance (1 of 4 stars; one submission).

gnomAD v4.1: 14 of 1,606,286 alleles (0.00087%); highest among the groups gnomAD compares: Non-Finnish European, 0.0012%; no homozygotes.

Submission:

Labcorp Genetics (formerly Invitae), Labcorp
Classification: Uncertain significance. Last evaluated: 2026-02-04. Review status: criteria provided, single submitter. Criteria: Invitae Variant Classification Sherloc (09022015). Collection method: clinical testing. Allele origin: germline.
Comment: This sequence change replaces glycine, which is neutral and non-polar, with alanine, which is neutral and non-polar, at codon 455 of the REST protein (p.Gly455Ala). This variant is not present in population databases (gnomAD no frequency). This variant has not been reported in the literature in individuals affected with REST-related conditions. An algorithm developed to predict the effect of missense changes on protein structure and function (PolyPhen-2) suggests that this variant is likely to be disruptive. In summary, the available evidence is currently insufficient to determine the role of this variant in disease. Therefore, it has been classified as a Variant of Uncertain Significance.

NM_005612.5(REST):c.1364G>C (p.Gly455Ala)

Gene: REST (RE1 silencing transcription factor; plus strand). Cytogenetic location: 4q12.
Variant type: single nucleotide variant.
Coding change: c.1364G>C on transcript NM_005612.5 (MANE Select); coding-DNA position 1364, G replaced by C.
Protein change: p.Gly455Ala; replaces glycine 455 with alanine.
Molecular consequence: missense variant.
Genome position (GRCh38, 1-based): chr4:56,930,222, G>C. VCF-style: chr4-56930222-G-C. GRCh37 (hg19) VCF-style: chr4-57796388-G-C.
Other names: c.1364G>C, p.Gly455Ala (NM_001193508.2, NM_001363453.3); c.1280G>C, p.Gly427Ala (NM_001440532.1, NM_001440533.1); short protein forms G427A, G455A.
Identifiers: ClinVar variation 4697500 (VCV004697500.1).